The following is an entry in ClinVar:

ClinVar aggregate classification (germline): Likely benign. Review status: criteria provided, multiple submitters, no conflicts (2 of 4 stars). 2 submissions from 2 submitters: Likely benign (2). Last evaluated 2025-05-01.

Conditions:
Beckwith-Wiedemann syndrome (BWS). Also called: Exomphalos macroglossia gigantism syndrome; EMG SYNDROME. Identifiers: Orphanet 116, MedGen C0004903, MONDO:0007534, OMIM 130650.

Allele frequency attached by ClinVar (database versions not stated): gnomAD 0.00001; gnomAD exomes 0.00001; TOPMed 0.00001.

Submissions (2):

CeGaT Center for Human Genetics Tuebingen
Classification: Likely benign. Last evaluated: 2025-05-01. Review status: criteria provided, single submitter. Criteria: CeGaT Center For Human Genetics Tuebingen Variant Classification Criteria Version 2. Collection method: clinical testing. Allele origin: germline. Affected: yes. Observed: 1 variant allele.
Comment: CDKN1C: BP4, BP7

Labcorp Genetics (formerly Invitae), Labcorp
Classification: Likely benign for Beckwith-Wiedemann syndrome. Last evaluated: 2025-04-07. Review status: criteria provided, single submitter. Criteria: Invitae Variant Classification Sherloc (09022015). Collection method: clinical testing. Allele origin: germline.

NM_001122630.2(CDKN1C):c.282G>A (p.Ala94=)

Gene: CDKN1C (cyclin dependent kinase inhibitor 1C; minus strand). Cytogenetic location: 11p15.4.
Variant type: single nucleotide variant.
Coding change: c.282G>A on transcript NM_001122630.2 (MANE Select); coding-DNA position 282, G replaced by A.
Protein change: p.Ala94=; no amino-acid change (alanine 94 retained).
Molecular consequence: synonymous variant. On other transcripts: intron variant (1).
Genome position (GRCh38, 1-based): chr11:2,885,175, C>T on the plus strand (G>A on the coding strand, the complement: CDKN1C is on the minus strand). VCF-style: chr11-2885175-C-T. GRCh37 (hg19) VCF-style: chr11-2906405-C-T.
Other names: c.315G>A, p.Ala105= (NM_000076.2, NM_001362474.2); c.282G>A, p.Ala94= (NM_001122631.2); c.255+27G>A (NM_001362475.2).
Identifiers: ClinVar variation 1094712 (VCV001094712.19), dbSNP rs1848966585, ClinGen allele CA472833403.